The following is an entry in ClinVar:

NM_006939.4(SOS2):c.1208G>T (p.Cys403Phe)

Gene: SOS2 (SOS Ras/Rho guanine nucleotide exchange factor 2; minus strand). Cytogenetic location: 14q21.3.
Variant type: single nucleotide variant.
Coding change: c.1208G>T on transcript NM_006939.4 (MANE Select); coding-DNA position 1208, G replaced by T.
Protein change: p.Cys403Phe; replaces cysteine 403 with phenylalanine.
Molecular consequence: missense variant.
Genome position (GRCh38, 1-based): chr14:50,160,075, C>A on the plus strand (G>T on the coding strand, the complement: SOS2 is on the minus strand). VCF-style: chr14-50160075-C-A. GRCh37 (hg19) VCF-style: chr14-50626793-C-A.
Other names: c.1109G>T, p.Cys370Phe (NM_001411020.1); short protein forms C403F, C370F.
Identifiers: ClinVar variation 3321554 (VCV003321554.1).
Genomic context (GRCh38, chr14:50,160,075, plus strand): 5'-ATTTCATTCATTTTTTTGATAGCCAGGTGTTTGCTTCTTAATTGGTGACTATAAAAAGGG[C>A]AAACAGGATCTCTAGAAAAAACAAACAATATAGCTTATTCAACAGCTAGCAACCCAAATG-3'
Protein context (NP_008870.2, residues 393-413): SPRRRPGDPV[Cys403Phe]PFYSHQLRSK

ClinVar aggregate classification (germline): Uncertain significance (1 of 4 stars; one submission).

Conditions:
Cardiovascular phenotype. Identifiers: MedGen CN230736.

Submission:

Ambry Genetics
Classification: Uncertain significance for Cardiovascular phenotype. Last evaluated: 2024-03-22. Review status: criteria provided, single submitter. Criteria: Ambry Variant Classification Scheme 2023. Collection method: clinical testing. Allele origin: germline.
Comment: The p.C403F variant (also known as c.1208G>T), located in coding exon 10 of the SOS2 gene, results from a G to T substitution at nucleotide position 1208. The cysteine at codon 403 is replaced by phenylalanine, an amino acid with highly dissimilar properties. This amino acid position is conserved. In addition, this alteration is predicted to be tolerated by in silico analysis. Based on the available evidence, the clinical significance of this alteration remains unclear.